The following is an entry in ClinVar:

ClinVar aggregate classification (germline): Conflicting classifications of pathogenicity. Review status: criteria provided, conflicting classifications (1 of 4 stars). 3 submissions from 3 submitters: Uncertain significance (2); Benign (1). Last evaluated 2025-11-26.

Conditions:
Inborn genetic diseases. Identifiers: MedGen C0950123, MeSH D030342.
Symmetrical dyschromatosis of extremities (DSH). Also called: RETICULATE ACROPIGMENTATION OF DOHI; SYMMETRIC DYSCHROMATOSIS OF THE EXTREMITIES; Dyschromatosis symmetrica hereditaria; DYSCHROMATOSIS SYMMETRICA HEREDITARIA 1. Identifiers: Orphanet 41, MedGen C0406775, MONDO:0007483, OMIM 127400.
Aicardi-Goutieres syndrome 6 (AGS6). Identifiers: Orphanet 51, MedGen C3539013, MONDO:0014007, OMIM 615010.

Allele frequency attached by ClinVar (database versions not stated): TOPMed below 0.00001; ExAC 0.00002.

Submissions (3):

Ambry Genetics
Classification: Uncertain significance for Inborn genetic diseases. Last evaluated: 2025-11-26. Review status: criteria provided, single submitter. Criteria: Ambry Variant Classification Scheme 2023. Collection method: clinical testing. Allele origin: germline.

Labcorp Genetics (formerly Invitae), Labcorp
Classification: Uncertain significance for Aicardi-Goutieres syndrome 6; Symmetrical dyschromatosis of extremities. Last evaluated: 2024-08-14. Review status: criteria provided, single submitter. Criteria: Invitae Variant Classification Sherloc (09022015). Collection method: clinical testing. Allele origin: germline.
Comment: This sequence change replaces alanine, which is neutral and non-polar, with serine, which is neutral and polar, at codon 376 of the ADAR protein (p.Ala376Ser). This variant is present in population databases (rs746152408, gnomAD 0.02%). This variant has not been reported in the literature in individuals affected with ADAR-related conditions. Invitae Evidence Modeling of protein sequence and biophysical properties (such as structural, functional, and spatial information, amino acid conservation, physicochemical variation, residue mobility, and thermodynamic stability) indicates that this missense variant is not expected to disrupt ADAR protein function with a negative predictive value of 80%. In summary, the available evidence is currently insufficient to determine the role of this variant in disease. Therefore, it has been classified as a Variant of Uncertain Significance.

Dr.Nikuei Genetic Center
Classification: Benign for Symmetrical dyschromatosis of extremities. Last evaluated: 2024-06-27. Review status: criteria provided, single submitter. Criteria: ACMG Guidelines, 2015. Collection method: clinical testing. Allele origin: germline. Affected: no.

NM_001111.5(ADAR):c.1126G>T (p.Ala376Ser)

Gene: ADAR (adenosine deaminase RNA specific; minus strand). Cytogenetic location: 1q21.3.
Variant type: single nucleotide variant.
Coding change: c.1126G>T on transcript NM_001111.5 (MANE Select); coding-DNA position 1126, G replaced by T.
Protein change: p.Ala376Ser; replaces alanine 376 with serine.
Molecular consequence: missense variant.
Genome position (GRCh38, 1-based): chr1:154,601,516, C>A on the plus strand (G>T on the coding strand, the complement: ADAR is on the minus strand). VCF-style: chr1-154601516-C-A. GRCh37 (hg19) VCF-style: chr1-154573992-C-A.
Other names: c.241G>T, p.Ala81Ser (NM_001025107.3, NM_001193495.2, NM_001365046.1 and 3 more transcripts); c.1153G>T, p.Ala385Ser (NM_001365045.1); c.1126G>T, p.Ala376Ser (NM_015840.4, NM_015841.4); c.1126G>T (NM_001111.4); short protein forms A376S, A385S, A81S.
Identifiers: ClinVar variation 2937744 (VCV002937744.5), dbSNP rs746152408, ClinGen allele CA1131584.